The following is an entry in ClinVar:

NM_021098.3(CACNA1H):c.986G>T (p.Gly329Val)

Gene: CACNA1H (calcium voltage-gated channel subunit alpha1 H; plus strand). Cytogenetic location: 16p13.3.
Variant type: single nucleotide variant.
Coding change: c.986G>T on transcript NM_021098.3 (MANE Select); coding-DNA position 986, G replaced by T.
Protein change: p.Gly329Val; replaces glycine 329 with valine.
Molecular consequence: missense variant.
Genome position (GRCh38, 1-based): chr16:1,200,438, G>T. VCF-style: chr16-1200438-G-T. GRCh37 (hg19) VCF-style: chr16-1250438-G-T.
Other names: c.986G>T, p.Gly329Val (NM_001005407.2); short protein forms G329V.
Identifiers: ClinVar variation 2950137 (VCV002950137.3), dbSNP rs1389808370, ClinGen allele CA394157483.
Genomic context (GRCh38, chr16:1,200,438, plus strand): 5'-GCGAGCTGCGCATGCCCTGCACCCTGGGCTGGGAGGCCTACACGCAGCCGCAGGCCGAGG[G>T]GGTGGGCGCTGCACGCAACGCCTGCATCAACTGGAACCAGTACTACAACGTGTGCCGCTC-3'
Protein context (NP_066921.2, residues 319-339): WEAYTQPQAE[Gly329Val]VGAARNACIN

ClinVar aggregate classification (germline): Uncertain significance (1 of 4 stars; one submission).

Conditions:
Idiopathic generalized epilepsy. Also called: EIG; Generalised epilepsy. Identifiers: MedGen C0270850, MONDO:0005579, OMIM 600669.
Hyperaldosteronism, familial, type IV (HALD4). Also called: FH IV; ALDOSTERONISM, PRIMARY, AND HYPERTENSION. Identifiers: Orphanet 642671, MedGen C4310756, MONDO:0014875, OMIM 617027.

Submission:

Labcorp Genetics (formerly Invitae), Labcorp
Classification: Uncertain significance for Idiopathic generalized epilepsy; Hyperaldosteronism, familial, type IV. Last evaluated: 2024-06-03. Review status: criteria provided, single submitter. Criteria: Invitae Variant Classification Sherloc (09022015). Collection method: clinical testing. Allele origin: germline.
Comment: This sequence change replaces glycine, which is neutral and non-polar, with valine, which is neutral and non-polar, at codon 329 of the CACNA1H protein (p.Gly329Val). This variant is not present in population databases (gnomAD no frequency). This variant has not been reported in the literature in individuals affected with CACNA1H-related conditions. Advanced modeling of protein sequence and biophysical properties (such as structural, functional, and spatial information, amino acid conservation, physicochemical variation, residue mobility, and thermodynamic stability) performed at Invitae indicates that this missense variant is not expected to disrupt CACNA1H protein function with a negative predictive value of 95%. In summary, the available evidence is currently insufficient to determine the role of this variant in disease. Therefore, it has been classified as a Variant of Uncertain Significance.